The following is an entry in ClinVar:

ClinVar aggregate classification (germline): Likely benign. Review status: criteria provided, multiple submitters, no conflicts (2 of 4 stars). 3 submissions from 3 submitters: Likely benign (2). 1 of the submissions does not count toward it. Last evaluated 2026-01-12.

Conditions:
CYFIP2-related disorder. Also called: CYFIP2-related condition.

Allele frequency attached by ClinVar (database versions not stated): gnomAD exomes 0.00007 and 0.00014; ExAC 0.00011; 1000 Genomes Project 30x 0.00031; 1000 Genomes Project 0.00040; ESP Exome Variant Server 0.00057; gnomAD 0.00062 and 0.00069; TOPMed 0.00081.
gnomAD v4.1: 192 of 1,613,962 alleles (0.012%); highest among the groups gnomAD compares: African/African-American, 0.24%; no homozygotes.

Submissions (3):

Labcorp Genetics (formerly Invitae), Labcorp
Classification: Likely benign. Last evaluated: 2026-01-12. Review status: criteria provided, single submitter. Criteria: Invitae Variant Classification Sherloc (09022015). Collection method: clinical testing. Allele origin: germline.

CeGaT Center for Human Genetics Tuebingen
Classification: Likely benign. Last evaluated: 2025-11-01. Review status: criteria provided, single submitter. Criteria: CeGaT Center For Human Genetics Tuebingen Variant Classification Criteria Version 2. Collection method: clinical testing. Allele origin: germline. Affected: yes. Observed: 1 variant allele.
Comment: CYFIP2: BS1

PreventionGenetics, part of Exact Sciences
Classification: Likely benign for CYFIP2-related condition. Last evaluated: 2019-11-13. Review status: no assertion criteria provided. Collection method: clinical testing. Allele origin: germline. Not counted in ClinVar's aggregate classification.
Comment: This variant is classified as likely benign based on ACMG/AMP sequence variant interpretation guidelines (Richards et al. 2015 PMID: 25741868, with internal and published modifications).

NM_001037333.3(CYFIP2):c.2746A>G (p.Ile916Val)

Gene: CYFIP2 (cytoplasmic FMR1 interacting protein 2; plus strand). Cytogenetic location: 5q33.3.
Variant type: single nucleotide variant.
Coding change: c.2746A>G on transcript NM_001037333.3 (MANE Select); coding-DNA position 2746, A replaced by G.
Protein change: p.Ile916Val; replaces isoleucine 916 with valine.
Molecular consequence: missense variant.
Genome position (GRCh38, 1-based): chr5:157,359,077, A>G. VCF-style: chr5-157359077-A-G. GRCh37 (hg19) VCF-style: chr5-156786085-A-G.
Other names: c.2821A>G (NM_001291722.1); c.2668A>G, p.Ile890Val (NM_001291721.2); c.2821A>G, p.Ile941Val (NM_001291722.2); c.2746A>G, p.Ile916Val (NM_014376.4); short protein forms I890V, I916V, I941V.
Identifiers: ClinVar variation 1602221 (VCV001602221.16), dbSNP rs9313557, ClinGen allele CA3534121.